The following is an entry in ClinVar:

ClinVar aggregate classification (germline): Uncertain significance (1 of 4 stars; one submission).

Allele frequency attached by ClinVar (database versions not stated): gnomAD exomes below 0.00001; ExAC 0.00004.
gnomAD v4.1: 2 of 1,545,532 alleles (0.00013%); highest among the groups gnomAD compares: Non-Finnish European, 0.00017%; no homozygotes.

Submission:

GeneDx
Classification: Uncertain significance. Last evaluated: 2026-06-12. Review status: criteria provided, single submitter. Criteria: GeneDx Variant Classification Process June 2021. Collection method: clinical testing. Allele origin: germline.
Comment: Not observed at significant frequency in large population cohorts (gnomAD); In silico analysis supports that this missense variant has a deleterious effect on protein structure/function; Has not been previously published as pathogenic or benign to our knowledge

NM_006593.4(TBR1):c.1499A>G (p.Tyr500Cys)

Gene: TBR1 (T-box brain transcription factor 1; plus strand). Cytogenetic location: 2q24.2.
Variant type: single nucleotide variant.
Coding change: c.1499A>G on transcript NM_006593.4 (MANE Select); coding-DNA position 1499, A replaced by G.
Protein change: p.Tyr500Cys; replaces tyrosine 500 with cysteine.
Molecular consequence: missense variant.
Genome position (GRCh38, 1-based): chr2:161,423,677, A>G. VCF-style: chr2-161423677-A-G. GRCh37 (hg19) VCF-style: chr2-162280188-A-G.
Other names: short protein forms Y500C.
Identifiers: ClinVar variation 2504838 (VCV002504838.2), dbSNP rs761171156, ClinGen allele CA1930988.
Genomic context (GRCh38, chr2:161,423,677, plus strand): 5'-CGCCGCAACGCTGGTTTGTGACGCCGGCCAACAACCGGCTGGACTTCGCGGCCTCGGCCT[A>G]TGACACGGCCACGGACTTCGCGGGCAACGCGGCCACGCTGCTCTCTTACGCGGCGGCGGG-3'
Protein context (NP_006584.1, residues 490-510): NNRLDFAASA[Tyr500Cys]DTATDFAGNA